The following is an entry in ClinVar:

NM_001171613.2(PREPL):c.798T>G (p.Phe266Leu)

Gene: PREPL (prolyl endopeptidase like; minus strand). Cytogenetic location: 2p21.
Variant type: single nucleotide variant.
Coding change: c.798T>G on transcript NM_001171613.2 (MANE Select); coding-DNA position 798, T replaced by G.
Protein change: p.Phe266Leu; replaces phenylalanine 266 with leucine.
Molecular consequence: missense variant. On other transcripts: intron variant (1).
Genome position (GRCh38, 1-based): chr2:44,338,441, A>C on the plus strand (T>G on the coding strand, the complement: PREPL is on the minus strand). VCF-style: chr2-44338441-A-C. GRCh37 (hg19) VCF-style: chr2-44565580-A-C.
Other names: c.1065T>G, p.Phe355Leu (NM_001042386.2, NM_001171603.1, NM_001171606.2 and 3 more transcripts); c.798T>G, p.Phe266Leu (NM_001171617.1, NM_001374277.1); c.969+706T>G (NM_001042385.2); short protein forms F266L, F355L.
Identifiers: ClinVar variation 1398061 (VCV001398061.7), dbSNP rs750048724, ClinGen allele CA1641339.

ClinVar aggregate classification (germline): Uncertain significance (1 of 4 stars; one submission).

Conditions:
Myasthenic syndrome, congenital, 22 (CMS22). Also called: PREPL DEFICIENCY. Identifiers: MedGen C4479088, MONDO:0044299, OMIM 616224.

Allele frequency attached by ClinVar (database versions not stated): ExAC 0.00001; TOPMed 0.00001; gnomAD 0.00003.
gnomAD v4.1: 58 of 1,613,034 alleles (0.0036%); highest among the groups gnomAD compares: Non-Finnish European, 0.0049%; no homozygotes.

Submission:

Labcorp Genetics (formerly Invitae), Labcorp
Classification: Uncertain significance for Myasthenic syndrome, congenital, 22. Last evaluated: 2024-07-01. Review status: criteria provided, single submitter. Criteria: Invitae Variant Classification Sherloc (09022015). Collection method: clinical testing. Allele origin: germline.
Comment: This sequence change replaces phenylalanine, which is neutral and non-polar, with leucine, which is neutral and non-polar, at codon 355 of the PREPL protein (p.Phe355Leu). This variant is present in population databases (rs750048724, gnomAD 0.002%). This variant has not been reported in the literature in individuals affected with PREPL-related conditions. ClinVar contains an entry for this variant (Variation ID: 1398061). Advanced modeling of protein sequence and biophysical properties (such as structural, functional, and spatial information, amino acid conservation, physicochemical variation, residue mobility, and thermodynamic stability) performed at Invitae indicates that this missense variant is not expected to disrupt PREPL protein function with a negative predictive value of 80%. In summary, the available evidence is currently insufficient to determine the role of this variant in disease. Therefore, it has been classified as a Variant of Uncertain Significance.